The following is an entry in ClinVar:

NM_182914.3(SYNE2):c.5914C>T (p.Pro1972Ser)

Gene: SYNE2 (spectrin repeat containing nuclear envelope protein 2; plus strand). Cytogenetic location: 14q23.2.
Variant type: single nucleotide variant.
Coding change: c.5914C>T on transcript NM_182914.3 (MANE Select); coding-DNA position 5914, C replaced by T.
Protein change: p.Pro1972Ser; replaces proline 1972 with serine.
Molecular consequence: missense variant.
Genome position (GRCh38, 1-based): chr14:64,024,985, C>T. VCF-style: chr14-64024985-C-T. GRCh37 (hg19) VCF-style: chr14-64491703-C-T.
Other names: c.5914C>T, p.Pro1972Ser (NM_015180.6); short protein forms P1972S.
Identifiers: ClinVar variation 4688732 (VCV004688732.2).

ClinVar aggregate classification (germline): Uncertain significance. Review status: criteria provided, multiple submitters, no conflicts (2 of 4 stars). 2 submissions from 2 submitters: Uncertain significance (2). Last evaluated 2025-12-29.

Conditions:
Emery-Dreifuss muscular dystrophy 5, autosomal dominant (EDMD5). Also called: EMERY-DREIFUSS MUSCULAR DYSTROPHY 5. Identifiers: Orphanet 261, MedGen C2751805, MONDO:0013072, OMIM 612999.

gnomAD v4.1: 1 of 1,613,814 alleles (0.000062%); no homozygotes.

Submissions (2):

Women's Health and Genetics/Laboratory Corporation of America, LabCorp
Classification: Uncertain significance. Last evaluated: 2025-12-29. Review status: criteria provided, single submitter. Criteria: LabCorp Variant Classification Summary - May 2015. Collection method: clinical testing. Allele origin: germline.
Comment: Variant summary: SYNE2 c.5914C>T (p.Pro1972Ser) results in a non-conservative amino acid change in the encoded protein sequence. Algorithms developed to predict the effect of missense changes on protein structure and function are either unavailable or do not agree on the potential impact of this missense change. The variant was absent in 249376 control chromosomes. The available data on variant occurrences in the general population are insufficient to allow any conclusion about variant significance. To our knowledge, no occurrence of c.5914C>T in individuals affected with SYNE2-related conditions and no experimental evidence demonstrating its impact on protein function have been reported. No submitters have cited clinical-significance assessments for this variant to ClinVar. Based on the evidence outlined above, the variant was classified as uncertain significance.

Labcorp Genetics (formerly Invitae), Labcorp
Classification: Uncertain significance for Emery-Dreifuss muscular dystrophy 5, autosomal dominant. Last evaluated: 2025-04-26. Review status: criteria provided, single submitter. Criteria: Invitae Variant Classification Sherloc (09022015). Collection method: clinical testing. Allele origin: germline.
Comment: This sequence change replaces proline, which is neutral and non-polar, with serine, which is neutral and polar, at codon 1972 of the SYNE2 protein (p.Pro1972Ser). This variant is not present in population databases (gnomAD no frequency). This variant has not been reported in the literature in individuals affected with SYNE2-related conditions. An algorithm developed to predict the effect of missense changes on protein structure and function outputs the following: PolyPhen-2: "Benign". The serine amino acid residue is found in multiple mammalian species, which suggests that this missense change does not adversely affect protein function. In summary, the available evidence is currently insufficient to determine the role of this variant in disease. Therefore, it has been classified as a Variant of Uncertain Significance.